The following is an entry in ClinVar:

ClinVar aggregate classification (germline): Likely benign. Review status: criteria provided, multiple submitters, no conflicts (2 of 4 stars). 3 submissions from 3 submitters: Likely benign (3). Last evaluated 2025-01-01.

Conditions:
Developmental and epileptic encephalopathy, 18 (DEE18). Also called: Early infantile epileptic encephalopathy 18. Identifiers: Orphanet 369894, MedGen C3809624, MONDO:0014201, OMIM 615476.

Allele frequency attached by ClinVar (database versions not stated): gnomAD exomes below 0.00001; gnomAD 0.00003; TOPMed 0.00003.
gnomAD v4.1: 42 of 1,613,894 alleles (0.0026%); highest among the groups gnomAD compares: Non-Finnish European, 0.0035%; no homozygotes.

Submissions (3):

CeGaT Center for Human Genetics Tuebingen
Classification: Likely benign. Last evaluated: 2025-01-01. Review status: criteria provided, single submitter. Criteria: CeGaT Center For Human Genetics Tuebingen Variant Classification Criteria Version 2. Collection method: clinical testing. Allele origin: germline. Affected: yes. Observed: 2 variant alleles.
Comment: SZT2: BP4, BP7

Labcorp Genetics (formerly Invitae), Labcorp
Classification: Likely benign. Last evaluated: 2024-10-15. Review status: criteria provided, single submitter. Criteria: Invitae Variant Classification Sherloc (09022015). Collection method: clinical testing. Allele origin: germline.

Genome-Nilou Lab
Classification: Likely benign for Developmental and epileptic encephalopathy, 18. Last evaluated: 2023-04-11. Review status: criteria provided, single submitter. Criteria: ACMG Guidelines, 2015. Collection method: clinical testing. Allele origin: germline. Affected: no.

NM_001365999.1(SZT2):c.429C>T (p.Ile143=)

Gene: SZT2 (SZT2 subunit of KICSTOR complex; plus strand). Cytogenetic location: 1p34.2.
Variant type: single nucleotide variant.
Coding change: c.429C>T on transcript NM_001365999.1 (MANE Select); coding-DNA position 429, C replaced by T.
Protein change: p.Ile143=; no amino-acid change (isoleucine 143 retained).
Molecular consequence: synonymous variant.
Genome position (GRCh38, 1-based): chr1:43,404,481, C>T. VCF-style: chr1-43404481-C-T. GRCh37 (hg19) VCF-style: chr1-43870152-C-T.
Other names: c.429C>T, p.Ile143= (NM_015284.4).
Identifiers: ClinVar variation 1099671 (VCV001099671.32), dbSNP rs1209373381, ClinGen allele CA417433077.
Genomic context (GRCh38, chr1:43,404,481, plus strand): 5'-TGCCCTGTCCCGCTGCTTAGGCGGGCTGCTTCGGCCCTTCCGAGTGCCTGGATCTTGCAT[C>T]GACTTCCAGCCTGAGATCTATGTAACTATCCAGGCCTACTCCTCCATCATTGGACTGCAG-3'
Protein context (NP_001352928.1, residues 133-153): LRPFRVPGSC[Ile143=]DFQPEIYVTI